The following is an entry in ClinVar:

ClinVar aggregate classification (germline): Likely benign (1 of 4 stars; one submission).

Conditions:
ADPRS-related disorder. Also called: ADPRS-related condition.

gnomAD v4.1: 19 of 1,613,932 alleles (0.0012%); highest among the groups gnomAD compares: African/African-American, 0.013%; no homozygotes.

Submission:

PreventionGenetics, part of Exact Sciences
Classification: Likely benign for ADPRS-related condition. Last evaluated: 2025-12-19. Review status: criteria provided, single submitter. Criteria: ACMG Guidelines, 2015. Collection method: clinical testing. Allele origin: germline.
Comment: This variant is classified as likely benign based on ACMG/AMP sequence variant interpretation guidelines (Richards et al. 2015 PMID: 25741868, with internal and published modifications).

NM_017825.3(ADPRS):c.624C>T (p.Ser208=)

Gene: ADPRS (ADP-ribosylserine hydrolase; plus strand). Cytogenetic location: 1p34.3.
Variant type: single nucleotide variant.
Coding change: c.624C>T on transcript NM_017825.3 (MANE Select); coding-DNA position 624, C replaced by T.
Protein change: p.Ser208=; no amino-acid change (serine 208 retained).
Molecular consequence: synonymous variant.
Genome position (GRCh38, 1-based): chr1:36,092,017, C>T. VCF-style: chr1-36092017-C-T. GRCh37 (hg19) VCF-style: chr1-36557618-C-T.
Identifiers: ClinVar variation 4979964 (VCV004979964.1).